The following is an entry in ClinVar:

ClinVar aggregate classification (germline): Likely pathogenic. Review status: criteria provided, multiple submitters, no conflicts (2 of 4 stars). 3 submissions from 2 submitters: Likely pathogenic (2). 1 of the submissions does not count toward it. Last evaluated 2025-06-18.

Conditions:
Retinal dystrophy. Also called: Inherited retinal dystrophy. Identifiers: Orphanet 71862, MedGen C0854723, MeSH D058499, MONDO:0019118, HP:0000556.
Retinitis pigmentosa 3. Also called: CHOROIDORETINAL DEGENERATION WITH RETINAL REFLEX IN HETEROZYGOUS WOMEN. Identifiers: Orphanet 791, MedGen C1845667, MONDO:0010227, OMIM 300029.

Submissions (3):

3billion
Classification: Likely pathogenic for Retinitis pigmentosa 3. Last evaluated: 2025-06-18. Review status: criteria provided, single submitter. Criteria: ACMG Guidelines, 2015. Collection method: clinical testing. Allele origin: germline. Affected: yes.
Comment: The variant is not observed in the gnomAD v4.1.0 dataset. Predicted Consequence/Location: Stop-gained (nonsense): predicted to result in a loss or disruption of normal protein function through protein truncation. Multiple pathogenic variants are reported in the predicted truncated region. The variant has been reported to be associated with RPGR-related disorder (ClinVar ID: VCV000866786). Therefore, this variant is classified as Likely pathogenic according to the recommendation of ACMG/AMP guideline.

Blueprint Genetics
Classification: Likely pathogenic for Retinal dystrophy. Last evaluated: 2018-07-16. Review status: criteria provided, single submitter. Criteria: Blueprint Genetics Variant Classification Scheme. Collection method: clinical testing. Allele origin: germline. Affected: yes.

Blueprint Genetics
Classification: Likely pathogenic for Retinitis pigmentosa 3. Review status: no assertion criteria provided. Collection method: clinical testing. Allele origin: germline. Affected: yes. Not counted in ClinVar's aggregate classification.

NM_001034853.2(RPGR):c.2158C>T (p.Gln720Ter)

Gene: RPGR (retinitis pigmentosa GTPase regulator; minus strand). Cytogenetic location: Xp11.4.
Variant type: single nucleotide variant.
Coding change: c.2158C>T on transcript NM_001034853.2 (MANE Select); coding-DNA position 2158, C replaced by T.
Protein change: p.Gln720Ter; replaces glutamine 720 with a stop codon.
Molecular consequence: nonsense. On other transcripts: intron variant (8).
Genome position (GRCh38, 1-based): chrX:38,286,841, G>A on the plus strand (C>T on the coding strand, the complement: RPGR is on the minus strand). VCF-style: chrX-38286841-G-A. GRCh37 (hg19) VCF-style: chrX-38146094-G-A.
Other names: c.1569+4118C>T (NM_001367249.1, NM_001367250.1); c.1902+253C>T (NM_001367245.1); c.1386+4118C>T (NM_001367251.1); c.1719+253C>T (NM_001367246.1); c.1572+4118C>T (NM_001367247.1); c.1905+253C>T (NM_000328.3); c.1602+4118C>T (NM_001367248.1); short protein forms Q720*.
Identifiers: ClinVar variation 866786 (VCV000866786.3), dbSNP rs2067191154, ClinGen allele CA412731310.